The following is an entry in ClinVar:

ClinVar aggregate classification (germline): Likely benign (1 of 4 stars; one submission).

Allele frequency attached by ClinVar (database versions not stated): ESP Exome Variant Server 0.00031; 1000 Genomes Project 0.00040; 1000 Genomes Project 30x 0.00047; ExAC 0.00066.
gnomAD v4.1: 969 of 1,606,010 alleles (0.06%); highest among the groups gnomAD compares: Middle Eastern, 0.49%; 3 homozygotes.

Submission:

CeGaT Center for Human Genetics Tuebingen
Classification: Likely benign. Last evaluated: 2023-07-01. Review status: criteria provided, single submitter. Criteria: CeGaT Center For Human Genetics Tuebingen Variant Classification Criteria Version 2. Collection method: clinical testing. Allele origin: germline. Affected: yes. Observed: 1 variant allele.
Comment: RANBP17: BP4

NM_022897.5(RANBP17):c.2777-6G>A

Gene: RANBP17 (RAN binding protein 17; plus strand). Cytogenetic location: 5q35.1.
Variant type: single nucleotide variant.
Coding change: c.2777-6G>A on transcript NM_022897.5 (MANE Select); 6 bases into the intron before coding-DNA position 2777, G replaced by A.
Molecular consequence: intron variant.
Genome position (GRCh38, 1-based): chr5:171,265,675, G>A. VCF-style: chr5-171265675-G-A. GRCh37 (hg19) VCF-style: chr5-170692679-G-A.
Identifiers: ClinVar variation 2656073 (VCV002656073.24), dbSNP rs201309762, ClinGen allele CA3558025.